The following is an entry in ClinVar:

NM_000256.3(MYBPC3):c.2634A>G (p.Val878=)

Gene: MYBPC3 (myosin binding protein C3; minus strand). Cytogenetic location: 11p11.2.
Variant type: single nucleotide variant.
Coding change: c.2634A>G on transcript NM_000256.3 (MANE Select); coding-DNA position 2634, A replaced by G.
Protein change: p.Val878=; no amino-acid change (valine 878 retained).
Molecular consequence: synonymous variant.
Genome position (GRCh38, 1-based): chr11:47,335,980, T>C on the plus strand (A>G on the coding strand, the complement: MYBPC3 is on the minus strand). VCF-style: chr11-47335980-T-C. GRCh37 (hg19) VCF-style: chr11-47357531-T-C.
Identifiers: ClinVar variation 2119741 (VCV002119741.5), dbSNP rs2495746695, ClinGen allele CA474214640.
Genomic context (GRCh38, chr11:47,335,980, plus strand): 5'-TGCTCCCACGCGCTCTGGGGGCCGCCACTTGAGGGAGACCGTGGTGTCAGAGACGTCCTC[T>C]ACTGCCAGGTGGGTGGGTTCGCTGGGGGGACCTGGGCAGAGGAGAGGTCAGAGAGGGGTC-3'
Protein context (NP_000247.2, residues 868-888): GPPSEPTHLA[Val878=]EDVSDTTVSL

ClinVar aggregate classification (germline): Conflicting classifications of pathogenicity. Review status: criteria provided, conflicting classifications (1 of 4 stars). 2 submissions from 2 submitters: Uncertain significance (1); Likely benign (1). Last evaluated 2023-06-22.

Conditions:
Hypertrophic cardiomyopathy. Also called: HYPERTROPHIC MYOCARDIOPATHY. Identifiers: Orphanet 217569, MedGen C0007194, MeSH D002312, MONDO:0005045, HP:0001639.

Allele frequency attached by ClinVar (database versions not stated): gnomAD exomes below 0.00001.
gnomAD v4.1: 2 of 1,544,706 alleles (0.00013%); highest among the groups gnomAD compares: Non-Finnish European, 0.00017%; no homozygotes.

Submissions (2):

Labcorp Genetics (formerly Invitae), Labcorp
Classification: Likely benign for Hypertrophic cardiomyopathy. Last evaluated: 2023-06-22. Review status: criteria provided, single submitter. Criteria: Invitae Variant Classification Sherloc (09022015). Collection method: clinical testing. Allele origin: germline.

All of Us Research Program, National Institutes of Health
Classification: Uncertain significance for Hypertrophic cardiomyopathy. Last evaluated: 2023-02-24. Review status: criteria provided, single submitter. Criteria: ACMG Guidelines, 2015. Collection method: clinical testing. Allele origin: germline. Inheritance: Autosomal dominant inheritance. Observed: 1 variant allele, 1 heterozygote.
Comment: This variant is located in the MYBPC3 protein. To our knowledge, functional studies have not been reported for this variant. This variant has not been reported in individuals affected with MYBPC3-related disorders in the literature. This variant has not been identified in the general population by the Genome Aggregation Database (gnomAD). The available evidence is insufficient to determine the role of this variant in disease conclusively. Therefore, this variant is classified as a Variant of Uncertain Significance.

This study involves interpretation of variants in research participants for the purpose of population health screening. Participant phenotype was not available at the time of variant classification. Additional details can be found in publication PMID: 35346344, PMCID: PMC8962531